The following is an entry in ClinVar:

NM_001853.4(COL9A3):c.1708T>C (p.Ser570Pro)

Gene: COL9A3 (collagen type IX alpha 3 chain; plus strand). Cytogenetic location: 20q13.33.
Variant type: single nucleotide variant.
Coding change: c.1708T>C on transcript NM_001853.4 (MANE Select); coding-DNA position 1708, T replaced by C.
Protein change: p.Ser570Pro; replaces serine 570 with proline.
Molecular consequence: missense variant.
Genome position (GRCh38, 1-based): chr20:62,837,187, T>C. VCF-style: chr20-62837187-T-C. GRCh37 (hg19) VCF-style: chr20-61468539-T-C.
Other names: p.Ser570Pro; short protein forms S570P.
Identifiers: ClinVar variation 1123266 (VCV001123266.14), dbSNP rs199886210, ClinGen allele CA9950162.

ClinVar aggregate classification (germline): Conflicting classifications of pathogenicity. Review status: criteria provided, conflicting classifications (1 of 4 stars). 4 submissions from 4 submitters: Uncertain significance (3); Likely benign (1). Last evaluated 2026-02-01.

Conditions:
COL9A3-related disorder. Also called: COL9A3-related condition.

Allele frequency attached by ClinVar (database versions not stated): ExAC 0.00012; gnomAD exomes 0.00013 and 0.00020; gnomAD 0.00019 and 0.00021; 1000 Genomes Project 0.00020; TOPMed 0.00026; 1000 Genomes Project 30x 0.00031.
gnomAD v4.1: 325 of 1,612,560 alleles (0.02%); highest among the groups gnomAD compares: Admixed American, 0.047%; no homozygotes.

Submissions (4):

Labcorp Genetics (formerly Invitae), Labcorp
Classification: Likely benign. Last evaluated: 2026-02-01. Review status: criteria provided, single submitter. Criteria: Invitae Variant Classification Sherloc (09022015). Collection method: clinical testing. Allele origin: germline.

PreventionGenetics, part of Exact Sciences
Classification: Uncertain significance for COL9A3-related condition. Last evaluated: 2025-11-05. Review status: criteria provided, single submitter. Criteria: ACMG Guidelines, 2015. Collection method: clinical testing. Allele origin: germline.
Comment: The COL9A3 c.1708T>C variant is predicted to result in the amino acid substitution p.Ser570Pro. This variant has been reported with uncertain significance in an individua in a study of patients with inherited retinal and optic nerve disorders (Table S12, Diñeiro et al. 2020. PubMed ID: 32483926). This variant is reported in 0.028% of alleles in individuals of Latino descent in gnomAD. At this time, the clinical significance of this variant is uncertain due to the absence of conclusive functional and genetic evidence.

GeneDx
Classification: Uncertain significance. Last evaluated: 2023-09-13. Review status: criteria provided, single submitter. Criteria: GeneDx Variant Classification Process June 2021. Collection method: clinical testing. Allele origin: germline. Affected: yes.
Comment: Identified among a cohort of patients with blindness (Dieiro et al., 2020), but has not been previously published as pathogenic or benign in association with multiple epiphyseal dysplasia or Stickler syndrome to our knowledge; In silico analysis supports that this missense variant does not alter protein structure/function; This variant is associated with the following publications: (PMID: 32483926)

Mayo Clinic Laboratories, Mayo Clinic
Classification: Uncertain significance. Last evaluated: 2022-02-08. Review status: criteria provided, single submitter. Criteria: ACMG Guidelines, 2015. Collection method: clinical testing. Allele origin: germline. Observed: 1 variant allele.
Comment: PM2_supporting